The following is an entry in ClinVar:

NM_000038.6(APC):c.3130_3131delinsAA (p.Ser1044Lys)

Gene: APC (APC regulator of Wnt signaling pathway; plus strand). Cytogenetic location: 5q22.2.
Variant type: Indel.
Coding change: c.3130_3131delinsAA on transcript NM_000038.6 (MANE Select); coding-DNA positions 3130 to 3131, TC replaced by AA.
Protein change: p.Ser1044Lys; replaces serine 1044 with lysine.
Molecular consequence: missense variant. On other transcripts: non-coding transcript variant (2).
Genome position (GRCh38, 1-based): chr5:112,838,724-112,838,725, TC replaced by AA. VCF-style: chr5-112838724-TC-AA. GRCh37 (hg19) VCF-style: chr5-112174421-TC-AA.
Other names: c.3130_3131delinsAA, p.Ser1044Lys (NM_001127510.3, NM_001354895.2, NM_001407450.1); c.3076_3077delinsAA, p.Ser1026Lys (NM_001127511.3); c.3184_3185delinsAA, p.Ser1062Lys (NM_001354896.2, NM_001407447.1, NM_001407448.1 and 1 more transcripts); c.3160_3161delinsAA, p.Ser1054Lys (NM_001354897.2); c.3055_3056delinsAA, p.Ser1019Lys (NM_001354898.2); c.3046_3047delinsAA, p.Ser1016Lys (NM_001354899.2); c.3007_3008delinsAA, p.Ser1003Lys (NM_001354900.2); c.2953_2954delinsAA, p.Ser985Lys (NM_001354901.2, NM_001407453.1); and 12 more; short protein forms S1003K, S1037K, S1044K, S761K, S884K, S915K, S1026K, S1054K.
Identifiers: ClinVar variation 2821629 (VCV002821629.4), dbSNP rs2533473327, ClinGen allele CA2739273267.
Genomic context (GRCh38, chr5:112,838,724, plus strand): 5'-CCAATAAATTATAGTCTTAAATATTCAGATGAGCAGTTGAACTCTGGAAGGCAAAGTCCT[TC>AA]ACAGAATGAAAGATGGGCAAGACCCAAACACATAATAGAAGATGAAATAAAACAAAGTGA-3'
Protein context (NP_000029.2, residues 1034-1054): EQLNSGRQSP[Ser1044Lys]QNERWARPKH

ClinVar aggregate classification (germline): Uncertain significance. Review status: criteria provided, multiple submitters, no conflicts (2 of 4 stars). 2 submissions from 2 submitters: Uncertain significance (2). Last evaluated 2025-06-18.

Conditions:
Hereditary cancer-predisposing syndrome. Also called: Neoplastic Syndromes, Hereditary; Hereditary neoplastic syndrome; Tumor predisposition; Hereditary Cancer Syndrome. Identifiers: Orphanet 140162, MedGen C0027672, MeSH D009386, MONDO:0015356.
Familial adenomatous polyposis 1 (FAP1). Also called: POLYPOSIS, ADENOMATOUS INTESTINAL; FAMILIAL ADENOMATOUS POLYPOSIS 1, ATTENUATED. Identifiers: MedGen C2713442, MONDO:0021056, OMIM 175100. Disease mechanism: loss of function.

Submissions (2):

Ambry Genetics
Classification: Uncertain significance for Hereditary cancer-predisposing syndrome. Last evaluated: 2025-06-18. Review status: criteria provided, single submitter. Criteria: Ambry Variant Classification Scheme 2023. Collection method: clinical testing. Allele origin: germline.
Comment: The c.3130_3131delTCinsAA variant (also known as p.S1044K), located in coding exon 15 of the APC gene, results from an in-frame deletion of TC and insertion of AA at nucleotide positions 3130 to 3131. This results in the substitution of the serine residue for a lysine residue at codon 1044, an amino acid with dissimilar properties. This amino acid position is well conserved in available vertebrate species. In addition, this variant is predicted to be neutral by in silico analysis (Choi Y et al. PLoS ONE. 2012; 7(10):e46688). Based on the available evidence, the clinical significance of this variant remains unclear.

Labcorp Genetics (formerly Invitae), Labcorp
Classification: Uncertain significance for Familial adenomatous polyposis 1. Last evaluated: 2023-11-11. Review status: criteria provided, single submitter. Criteria: Invitae Variant Classification Sherloc (09022015). Collection method: clinical testing. Allele origin: germline.
Comment: This sequence change replaces serine, which is neutral and polar, with lysine, which is basic and polar, at codon 1044 of the APC protein (p.Ser1044Lys). Information on the frequency of this variant in the gnomAD database is not available, as this variant may be reported differently in the database. This variant has not been reported in the literature in individuals affected with APC-related conditions. An algorithm developed to predict the effect of missense changes on protein structure and function (PolyPhen-2) suggests that this variant is likely to be disruptive. In summary, the available evidence is currently insufficient to determine the role of this variant in disease. Therefore, it has been classified as a Variant of Uncertain Significance.